The following is an entry in ClinVar:

NM_000275.3(OCA2):c.1843-9_1843-6del

Gene: OCA2 (OCA2 melanosomal transmembrane protein; minus strand). Cytogenetic location: 15q13.1.
Variant type: Microsatellite.
Coding change: c.1843-9_1843-6del on transcript NM_000275.3 (MANE Select); 9 bases into the intron before coding-DNA position 1843 through 6 bases into the intron before coding-DNA position 1843, 4 bases deleted (CTCT; older notation c.1843-9_1843-6delCTCT).
Molecular consequence: intron variant.
Genome position (GRCh38, 1-based): chr15:27,951,898-27,951,901, AGAG deleted on the plus strand (CTCT on the coding strand, the reverse complement: OCA2 is on the minus strand); deleting any 4 consecutive bases within chr15:27,951,898-27,951,904 gives the same sequence; the c. name uses the placement nearest the transcript's 3' end. VCF-style (leftmost placement, unchanged base first): chr15-27951897-AAGAG-A. GRCh37 (hg19) VCF-style: chr15-28197043-AAGAG-A.
Other names: c.1771-9_1771-6del (NM_001300984.2).
Identifiers: ClinVar variation 1312430 (VCV001312430.7), dbSNP rs2140620111, ClinGen allele CA2580612787.

ClinVar aggregate classification (germline): Uncertain significance. Review status: criteria provided, multiple submitters, no conflicts (2 of 4 stars). 3 submissions from 3 submitters: Uncertain significance (3). Last evaluated 2024-10-28.

Submissions (3):

Blueprint Genetics
Classification: Uncertain significance. Last evaluated: 2024-10-28. Review status: criteria provided, single submitter. Criteria: ACMG Guidelines, 2015. Collection method: clinical testing. Allele origin: germline.

GeneDx
Classification: Uncertain significance. Last evaluated: 2019-09-20. Review status: criteria provided, single submitter. Criteria: GeneDx Variant Classification Process June 2021. Collection method: clinical testing. Allele origin: germline. Affected: yes.
Comment: Not observed in large population cohorts (Lek et al., 2016); Has not been previously published as pathogenic or benign to our knowledge; In-silico analysis, which includes splice predictors and evolutionary conservation, is inconclusive as to whether the variant alters gene splicing. In the absence of RNA/functional studies, the actual effect of this sequence change is unknown

Genetic Services Laboratory, University of Chicago
Classification: Uncertain significance. Last evaluated: 2017-10-25. Review status: criteria provided, single submitter. Criteria: ACMG Guidelines, 2015. Collection method: clinical testing. Allele origin: germline. Affected: no.